The following is an entry in ClinVar:

NM_152383.5(DIS3L2):c.2402C>A (p.Ala801Asp)

Gene: DIS3L2 (DIS3 like 3'-5' exoribonuclease 2; plus strand). Cytogenetic location: 2q37.1.
Variant type: single nucleotide variant.
Coding change: c.2402C>A on transcript NM_152383.5 (MANE Select); coding-DNA position 2402, C replaced by A.
Protein change: p.Ala801Asp; replaces alanine 801 with aspartic acid.
Molecular consequence: missense variant. On other transcripts: non-coding transcript variant (2), intron variant (1).
Genome position (GRCh38, 1-based): chr2:232,335,780, C>A. VCF-style: chr2-232335780-C-A. GRCh37 (hg19) VCF-style: chr2-233200490-C-A.
Other names: c.1582-7565C>A (NM_001257281.2); short protein forms A801D.
Identifiers: ClinVar variation 656685 (VCV000656685.8), dbSNP rs1425676194, ClinGen allele CA350978151.

ClinVar aggregate classification (germline): Uncertain significance (1 of 4 stars; one submission).

Conditions:
Perlman syndrome (PRLMNS). Identifiers: Orphanet 2849, MedGen C0796113, MONDO:0009965, OMIM 267000.

Allele frequency attached by ClinVar (database versions not stated): TOPMed below 0.00001; gnomAD exomes below 0.00001; gnomAD 0.00001.
gnomAD v4.1: 3 of 1,550,340 alleles (0.00019%); highest among the groups gnomAD compares: Non-Finnish European, 0.00017%; no homozygotes.

Submission:

Labcorp Genetics (formerly Invitae), Labcorp
Classification: Uncertain significance for Perlman syndrome. Last evaluated: 2023-10-28. Review status: criteria provided, single submitter. Criteria: Invitae Variant Classification Sherloc (09022015). Collection method: clinical testing. Allele origin: germline.
Comment: This sequence change replaces alanine, which is neutral and non-polar, with aspartic acid, which is acidic and polar, at codon 801 of the DIS3L2 protein (p.Ala801Asp). This variant is not present in population databases (gnomAD no frequency). This variant has not been reported in the literature in individuals affected with DIS3L2-related conditions. ClinVar contains an entry for this variant (Variation ID: 656685). Advanced modeling of protein sequence and biophysical properties (such as structural, functional, and spatial information, amino acid conservation, physicochemical variation, residue mobility, and thermodynamic stability) performed at Invitae indicates that this missense variant is not expected to disrupt DIS3L2 protein function with a negative predictive value of 80%. In summary, the available evidence is currently insufficient to determine the role of this variant in disease. Therefore, it has been classified as a Variant of Uncertain Significance.